The following is an entry in ClinVar:

NM_001868.4(CPA1):c.257_258del (p.Ser85_Tyr86insTer)

Gene: CPA1 (carboxypeptidase A1; plus strand). Cytogenetic location: 7q32.2.
Variant type: Deletion.
Coding change: c.257_258del on transcript NM_001868.4 (MANE Select); coding-DNA positions 257 to 258, 2 bases deleted (AT; older notation c.257_258delAT).
Protein change: p.Ser85_Tyr86insTer.
Molecular consequence: nonsense.
Genome position (GRCh38, 1-based): chr7:130,381,739-130,381,740, AT deleted; deleting any 2 consecutive bases within chr7:130,381,738-130,381,740 gives the same sequence; the c. name uses the placement nearest the transcript's 3' end. VCF-style (leftmost placement, unchanged base first): chr7-130381737-CTA-C. GRCh37 (hg19) VCF-style: chr7-130021578-CTA-C.
Identifiers: ClinVar variation 2886538 (VCV002886538.3), dbSNP rs1215465784, ClinGen allele CA833270024.

ClinVar aggregate classification (germline): Uncertain significance (1 of 4 stars; one submission).

Submission:

Labcorp Genetics (formerly Invitae), Labcorp
Classification: Uncertain significance. Last evaluated: 2023-02-20. Review status: criteria provided, single submitter. Criteria: Invitae Variant Classification Sherloc (09022015). Collection method: clinical testing. Allele origin: germline.
Comment: In summary, the available evidence is currently insufficient to determine the role of this variant in disease. Therefore, it has been classified as a Variant of Uncertain Significance. This variant has not been reported in the literature in individuals affected with CPA1-related conditions. This variant is not present in population databases (gnomAD no frequency). This sequence change creates a premature translational stop signal (p.Tyr86*) in the CPA1 gene. It is expected to result in an absent or disrupted protein product. However, the current clinical and genetic evidence is not sufficient to establish whether loss-of-function variants in CPA1 cause disease.